The following is an entry in ClinVar:

NM_005228.5(EGFR):c.3407C>A (p.Pro1136His)

Gene: EGFR (epidermal growth factor receptor; plus strand). Cytogenetic location: 7p11.2.
Variant type: single nucleotide variant.
Coding change: c.3407C>A on transcript NM_005228.5 (MANE Select); coding-DNA position 3407, C replaced by A.
Protein change: p.Pro1136His; replaces proline 1136 with histidine.
Molecular consequence: missense variant.
Genome position (GRCh38, 1-based): chr7:55,205,391, C>A. VCF-style: chr7-55205391-C-A. GRCh37 (hg19) VCF-style: chr7-55273084-C-A.
Other names: c.3272C>A, p.Pro1091His (NM_001346899.2); c.3248C>A, p.Pro1083His (NM_001346900.2); c.2606C>A, p.Pro869His (NM_001346941.2); short protein forms P1083H, P869H, P1091H, P1136H.
Identifiers: ClinVar variation 4247309 (VCV004247309.1).
Genomic context (GRCh38, chr7:55,205,391, plus strand): 5'-ACCCCGCGCCCAGCAGAGACCCACACTACCAGGACCCCCACAGCACTGCAGTGGGCAACC[C>A]CGAGTATCTCAACACTGTCCAGCCCACCTGTGTCAACAGCACATTCGACAGCCCTGCCCA-3'
Protein context (NP_005219.2, residues 1126-1146): QDPHSTAVGN[Pro1136His]EYLNTVQPTC

ClinVar aggregate classification (germline): Uncertain significance (1 of 4 stars; one submission).

Conditions:
Hereditary cancer-predisposing syndrome. Also called: Hereditary Cancer Syndrome; Hereditary neoplastic syndrome; Neoplastic Syndromes, Hereditary; Tumor predisposition. Identifiers: Orphanet 140162, MedGen C0027672, MeSH D009386, MONDO:0015356.

Submission:

Ambry Genetics
Classification: Uncertain significance for Hereditary cancer-predisposing syndrome. Last evaluated: 2025-07-17. Review status: criteria provided, single submitter. Criteria: Ambry Variant Classification Scheme 2023. Collection method: clinical testing. Allele origin: germline.
Comment: The p.P1136H variant (also known as c.3407C>A), located in coding exon 28 of the EGFR gene, results from a C to A substitution at nucleotide position 3407. The proline at codon 1136 is replaced by histidine, an amino acid with similar properties. This amino acid position is conserved. In addition, the in silico prediction for this alteration is inconclusive. Based on the available evidence, the clinical significance of this variant remains unclear.